The following is an entry in ClinVar:

NM_001109878.2(TBX22):c.248G>A (p.Ser83Asn)

Gene: TBX22 (T-box transcription factor 22). Cytogenetic location: Xq21.1.
Variant type: single nucleotide variant.
Coding change: c.248G>A on transcript NM_001109878.2 (MANE Select); coding-DNA position 248, G replaced by A.
Protein change: p.Ser83Asn; replaces serine 83 with asparagine.
Molecular consequence: missense variant. On other transcripts: 5 prime UTR variant (2).
Genome position (GRCh38, 1-based): chrX:80,023,132, G>A. VCF-style: chrX-80023132-G-A. GRCh37 (hg19) VCF-style: chrX-79278631-G-A.
Other names: c.-109G>A (NM_001109879.2); c.-176G>A (NM_001303475.1); c.248G>A, p.Ser83Asn (NM_016954.2); short protein forms S83N.
Identifiers: ClinVar variation 4874536 (VCV004874536.2).

ClinVar aggregate classification (germline): Uncertain significance (1 of 4 stars; one submission).

Submission:

CeGaT Center for Human Genetics Tuebingen
Classification: Uncertain significance. Last evaluated: 2026-04-01. Review status: criteria provided, single submitter. Criteria: CeGaT Center For Human Genetics Tuebingen Variant Classification Criteria Version 2. Collection method: clinical testing. Allele origin: germline. Affected: yes. Observed: 1 variant allele.
Comment: TBX22: PM2, BP4